The following is an entry in ClinVar:

NM_001128840.3(CACNA1D):c.2159G>A (p.Gly720Asp)

Gene: CACNA1D (calcium voltage-gated channel subunit alpha1 D; plus strand). Cytogenetic location: 3p21.1.
Variant type: single nucleotide variant.
Coding change: c.2159G>A on transcript NM_001128840.3 (MANE Select); coding-DNA position 2159, G replaced by A.
Protein change: p.Gly720Asp; replaces glycine 720 with aspartic acid.
Molecular consequence: missense variant.
Genome position (GRCh38, 1-based): chr3:53,726,937, G>A. VCF-style: chr3-53726937-G-A. GRCh37 (hg19) VCF-style: chr3-53760964-G-A.
Other names: c.2219G>A, p.Gly740Asp (NM_000720.4); c.2159G>A, p.Gly720Asp (NM_001128839.3); short protein forms G720D, G740D.
Identifiers: ClinVar variation 1953642 (VCV001953642.5), dbSNP rs2473732269, ClinGen allele CA353238993.

ClinVar aggregate classification (germline): Uncertain significance (1 of 4 stars; one submission).

Allele frequency attached by ClinVar (database versions not stated): gnomAD exomes below 0.00001.
gnomAD v4.1: 1 of 1,614,114 alleles (0.000062%); highest among the groups gnomAD compares: Non-Finnish European, 0.000085%; no homozygotes.

Submission:

Labcorp Genetics (formerly Invitae), Labcorp
Classification: Uncertain significance. Last evaluated: 2022-03-20. Review status: criteria provided, single submitter. Criteria: Invitae Variant Classification Sherloc (09022015). Collection method: clinical testing. Allele origin: germline.
Comment: In summary, the available evidence is currently insufficient to determine the role of this variant in disease. Therefore, it has been classified as a Variant of Uncertain Significance. Algorithms developed to predict the effect of missense changes on protein structure and function (SIFT, PolyPhen-2, Align-GVGD) all suggest that this variant is likely to be disruptive. This variant has not been reported in the literature in individuals affected with CACNA1D-related conditions. This variant is not present in population databases (gnomAD no frequency). This sequence change replaces glycine, which is neutral and non-polar, with aspartic acid, which is acidic and polar, at codon 740 of the CACNA1D protein (p.Gly740Asp).